The following is an entry in ClinVar:

NM_005876.5(SPEG):c.1568G>A (p.Arg523His)

Gene: SPEG (striated muscle enriched protein kinase; plus strand). Cytogenetic location: 2q35.
Variant type: single nucleotide variant.
Coding change: c.1568G>A on transcript NM_005876.5 (MANE Select); coding-DNA position 1568, G replaced by A.
Protein change: p.Arg523His; replaces arginine 523 with histidine.
Molecular consequence: missense variant.
Genome position (GRCh38, 1-based): chr2:219,448,726, G>A. VCF-style: chr2-219448726-G-A. GRCh37 (hg19) VCF-style: chr2-220313448-G-A.
Other names: c.1568G>A (NM_005876.4); short protein forms R523H.
Identifiers: ClinVar variation 1405272 (VCV001405272.5), dbSNP rs964536524, ClinGen allele CA66004711.

ClinVar aggregate classification (germline): Uncertain significance. Review status: criteria provided, multiple submitters, no conflicts (2 of 4 stars). 2 submissions from 2 submitters: Uncertain significance (2). Last evaluated 2025-08-18.

Conditions:
Inborn genetic diseases. Identifiers: MedGen C0950123, MeSH D030342.

Allele frequency attached by ClinVar (database versions not stated): gnomAD exomes below 0.00001; TOPMed 0.00005; gnomAD 0.00006 and 0.00007.
gnomAD v4.1: 17 of 1,490,978 alleles (0.0011%); highest among the groups gnomAD compares: African/African-American, 0.02%; no homozygotes.

Submissions (2):

Labcorp Genetics (formerly Invitae), Labcorp
Classification: Uncertain significance. Last evaluated: 2025-08-18. Review status: criteria provided, single submitter. Criteria: Invitae Variant Classification Sherloc (09022015). Collection method: clinical testing. Allele origin: germline.
Comment: This sequence change replaces arginine, which is basic and polar, with histidine, which is basic and polar, at codon 523 of the SPEG protein (p.Arg523His). This variant is present in population databases (no rsID available, gnomAD 0.03%). This variant has not been reported in the literature in individuals affected with SPEG-related conditions. ClinVar contains an entry for this variant (Variation ID: 1405272). An algorithm developed to predict the effect of missense changes on protein structure and function (PolyPhen-2) suggests that this variant is likely to be disruptive. In summary, the available evidence is currently insufficient to determine the role of this variant in disease. Therefore, it has been classified as a Variant of Uncertain Significance.

Ambry Genetics
Classification: Uncertain significance for Inborn genetic diseases. Last evaluated: 2022-06-27. Review status: criteria provided, single submitter. Criteria: Ambry Variant Classification Scheme 2023. Collection method: clinical testing. Allele origin: germline.